The following is an entry in ClinVar:

ClinVar aggregate classification (germline): Uncertain significance (1 of 4 stars; one submission).

Conditions:
Inborn genetic diseases. Identifiers: MedGen C0950123, MeSH D030342.

Submission:

Ambry Genetics
Classification: Uncertain significance for Inborn genetic diseases. Last evaluated: 2024-10-15. Review status: criteria provided, single submitter. Criteria: Ambry Variant Classification Scheme 2023. Collection method: clinical testing. Allele origin: germline.
Comment: The p.P91L variant (also known as c.272C>T), located in coding exon 1 of the KDM1A gene, results from a C to T substitution at nucleotide position 272. The proline at codon 91 is replaced by leucine, an amino acid with similar properties. This amino acid position is conserved. In addition, this alteration is predicted to be tolerated by in silico analysis. Based on the available evidence, the clinical significance of this variant remains unclear.

NM_001009999.3(KDM1A):c.272C>T (p.Pro91Leu)

Gene: KDM1A (lysine demethylase 1A; plus strand). Cytogenetic location: 1p36.12.
Variant type: single nucleotide variant.
Coding change: c.272C>T on transcript NM_001009999.3 (MANE Select); coding-DNA position 272, C replaced by T.
Protein change: p.Pro91Leu; replaces proline 91 with leucine.
Molecular consequence: missense variant.
Genome position (GRCh38, 1-based): chr1:23,019,868, C>T. VCF-style: chr1-23019868-C-T. GRCh37 (hg19) VCF-style: chr1-23346361-C-T.
Other names: c.272C>T, p.Pro91Leu (NM_001363654.2, NM_001410762.1, NM_001410763.1 and 1 more transcripts); short protein forms P91L.
Identifiers: ClinVar variation 3532903 (VCV003532903.1).